The following is an entry in ClinVar:

ClinVar aggregate classification (germline): Pathogenic. Review status: criteria provided, multiple submitters, no conflicts (2 of 4 stars). 3 submissions from 3 submitters: Pathogenic (3). Last evaluated 2024-09-17.

Conditions:
Hereditary cancer-predisposing syndrome. Also called: Neoplastic Syndromes, Hereditary; Tumor predisposition; Hereditary Cancer Syndrome; Hereditary neoplastic syndrome. Identifiers: Orphanet 140162, MedGen C0027672, MeSH D009386, MONDO:0015356.
BAP1-related tumor predisposition syndrome (TPDS1). Also called: BAP1 tumor predisposition syndrome; COMMON Syndrome; TUMOR PREDISPOSITION SYNDROME 1; Tumor susceptibility linked to germline BAP1 mutations. Identifiers: Orphanet 289539, MedGen C3280492, MONDO:0013692, OMIM 614327.

Submissions (3):

Ambry Genetics
Classification: Pathogenic for Hereditary cancer-predisposing syndrome. Last evaluated: 2024-09-17. Review status: criteria provided, single submitter. Criteria: Ambry Variant Classification Scheme 2023. Collection method: clinical testing. Allele origin: germline.
Comment: The p.S460* pathogenic mutation (also known as c.1379C>A), located in coding exon 13 of the BAP1 gene, results from a C to A substitution at nucleotide position 1379. This changes the amino acid from a serine to a stop codon within coding exon 13. This variant has been observed in at least one individual with a personal and/or family history that is consistent with BAP1-related tumor predisposition syndrome (Ambry internal data). This variant is considered to be rare based on population cohorts in the Genome Aggregation Database (gnomAD). This alteration is expected to result in loss of function by premature protein truncation or nonsense-mediated mRNA decay. As such, this alteration is interpreted as a disease-causing mutation.

Labcorp Genetics (formerly Invitae), Labcorp
Classification: Pathogenic for BAP1-related tumor predisposition syndrome. Last evaluated: 2023-07-25. Review status: criteria provided, single submitter. Criteria: Invitae Variant Classification Sherloc (09022015). Collection method: clinical testing. Allele origin: germline.
Comment: This variant is not present in population databases (gnomAD no frequency). This sequence change creates a premature translational stop signal (p.Ser460*) in the BAP1 gene. It is expected to result in an absent or disrupted protein product. Loss-of-function variants in BAP1 are known to be pathogenic (PMID: 21874000, 23684012). This premature translational stop signal has been observed in individual(s) with malignant mesothelioma (PMID: 21874000, 23684012, 27507853). For these reasons, this variant has been classified as Pathogenic. ClinVar contains an entry for this variant (Variation ID: 472667).

Baylor Genetics
Classification: Pathogenic for BAP1-related tumor predisposition syndrome. Last evaluated: 2021-07-22. Review status: criteria provided, single submitter. Criteria: ACMG Guidelines, 2015. Collection method: clinical testing. Allele origin: unknown.

Literature cited by the submitters: PubMed 21874000 (cited by Labcorp Genetics (formerly Invitae), Labcorp); PubMed 23684012 (cited by Labcorp Genetics (formerly Invitae), Labcorp); PubMed 27507853 (cited by Labcorp Genetics (formerly Invitae), Labcorp).

NM_004656.4(BAP1):c.1379C>A (p.Ser460Ter)

Gene: BAP1 (BRCA1 associated deubiquitinase 1; minus strand). Cytogenetic location: 3p21.1.
Variant type: single nucleotide variant.
Coding change: c.1379C>A on transcript NM_004656.4 (MANE Select); coding-DNA position 1379, C replaced by A.
Protein change: p.Ser460Ter; replaces serine 460 with a stop codon.
Molecular consequence: nonsense.
Genome position (GRCh38, 1-based): chr3:52,403,766, G>T on the plus strand (C>A on the coding strand, the complement: BAP1 is on the minus strand). VCF-style: chr3-52403766-G-T. GRCh37 (hg19) VCF-style: chr3-52437782-G-T.
Other names: c.1379C>A (NM_004656.2); short protein forms S460*.
Identifiers: ClinVar variation 472667 (VCV000472667.7), dbSNP rs1553644949, ClinGen allele CA353101690.